The following is an entry in ClinVar:

NM_001130987.2(DYSF):c.803A>C (p.Asn268Thr)

Gene: DYSF (dysferlin; plus strand). Cytogenetic location: 2p13.2.
Variant type: single nucleotide variant.
Coding change: c.803A>C on transcript NM_001130987.2 (MANE Select); coding-DNA position 803, A replaced by C.
Protein change: p.Asn268Thr; replaces asparagine 268 with threonine.
Molecular consequence: missense variant.
Genome position (GRCh38, 1-based): chr2:71,515,666, A>C. VCF-style: chr2-71515666-A-C. GRCh37 (hg19) VCF-style: chr2-71742796-A-C.
Other names: c.710A>C, p.Asn237Thr (NM_001130455.2, NM_001130983.2, NM_001130984.2 and 1 more transcripts); c.707A>C, p.Asn236Thr (NM_001130976.2, NM_001130977.2, NM_001130978.2 and 1 more transcripts); c.800A>C, p.Asn267Thr (NM_001130979.2, NM_001130980.2, NM_001130981.2); c.803A>C, p.Asn268Thr (NM_001130982.2, NM_001130985.2); short protein forms N236T, N268T, N267T, N237T.
Identifiers: ClinVar variation 198494 (VCV000198494.55), dbSNP rs150917600, ClinGen allele CA247174.

ClinVar aggregate classification (germline): Conflicting classifications of pathogenicity. Review status: criteria provided, conflicting classifications (1 of 4 stars). 7 submissions from 7 submitters: Uncertain significance (5); Likely benign (1). 1 of the submissions does not count toward it. Last evaluated 2026-01-19.

Conditions:
Neuromuscular disease caused by qualitative or quantitative defects of dysferlin. Also called: Dysferlinopathy; Qualitative or quantitative defects of dysferlin. Identifiers: Orphanet 207073, MedGen C2931687, MONDO:0016145.
Miyoshi muscular dystrophy 1 (MMD1). Identifiers: Orphanet 45448, MedGen C4551973, MONDO:0024545, OMIM 254130.
Autosomal recessive limb-girdle muscular dystrophy type 2B (LGMDR2). Also called: Limb-girdle muscular dystrophy, type 2B; MUSCULAR DYSTROPHY, LIMB-GIRDLE, TYPE 3; MUSCULAR DYSTROPHY, LIMB-GIRDLE, AUTOSOMAL RECESSIVE 2; Limb-Girdle Muscular Dystrophy Type 2B (LGMD2B). Identifiers: Orphanet 268, MedGen C1850889, MONDO:0009676, OMIM 253601.

Allele frequency attached by ClinVar (database versions not stated): gnomAD exomes 0.00004 and 0.00009; ExAC 0.00011; gnomAD 0.00036 and 0.00037; ESP Exome Variant Server 0.00038; TOPMed 0.00056; 1000 Genomes Project 30x 0.00078; 1000 Genomes Project 0.00080.
gnomAD v4.1: 110 of 1,613,938 alleles (0.0068%); highest among the groups gnomAD compares: African/African-American, 0.14%; no homozygotes.

Submissions (7):

Labcorp Genetics (formerly Invitae), Labcorp
Classification: Likely benign for Neuromuscular disease caused by qualitative or quantitative defects of dysferlin. Last evaluated: 2026-01-19. Review status: criteria provided, single submitter. Criteria: Invitae Variant Classification Sherloc (09022015). Collection method: clinical testing. Allele origin: germline.

CeGaT Center for Human Genetics Tuebingen
Classification: Uncertain significance. Last evaluated: 2021-12-01. Review status: criteria provided, single submitter. Criteria: CeGaT Center For Human Genetics Tuebingen Variant Classification Criteria Version 2. Collection method: clinical testing. Allele origin: germline. Affected: yes. Observed: 1 variant allele.

Revvity Omics, Revvity
Classification: Uncertain significance. Last evaluated: 2021-05-31. Review status: criteria provided, single submitter. Criteria: ACMG Guidelines, 2015. Collection method: clinical testing. Allele origin: germline.

GeneDx
Classification: Uncertain significance. Last evaluated: 2018-04-20. Review status: criteria provided, single submitter. Criteria: GeneDx Variant Classification (06012015). Collection method: clinical testing. Allele origin: germline. Affected: yes.
Comment: A variant of uncertain significance has been identified in the DYSF gene. The N236T variant has notbeen published as a pathogenic variant, nor has it been reported as a benign variant to our knowledge. This variant is observed in 35/24016 (0.15%) alleles from individuals of African background in large population cohorts (Lek et al., 2016). The N236T variant is a conservative amino acid substitution, which is not likely to impact secondary protein structure as these residues share similar properties. In-silico analyses, including protein predictors and evolutionary conservation, support a deleterious effect. Therefore, based on the currently available information, it is unclear whether this variant is a pathogenic variant or a rare benign variant.

Baylor Genetics
Classification: Uncertain significance for Miyoshi muscular dystrophy 1. Last evaluated: 2018-01-02. Review status: criteria provided, single submitter. Criteria: ACMG Guidelines, 2015. Collection method: clinical testing. Allele origin: maternal. Affected: yes.
Comment: This variant was determined to be of uncertain significance according to ACMG Guidelines, 2015 [PMID:25741868].

Eurofins Ntd Llc (ga)
Classification: Uncertain significance. Last evaluated: 2017-04-03. Review status: criteria provided, single submitter. Criteria: EGL Classification Definitions 2015. Collection method: clinical testing. Allele origin: germline. Observed: 6 variant alleles, 6 heterozygotes.

Natera, Inc.
Classification: Uncertain significance for Limb-girdle muscular dystrophy type 2B. Last evaluated: 2019-11-11. Review status: no assertion criteria provided. Collection method: clinical testing. Allele origin: germline. Not counted in ClinVar's aggregate classification.